The following is an entry in ClinVar:

ClinVar aggregate classification (germline): Uncertain significance. Review status: criteria provided, multiple submitters, no conflicts (2 of 4 stars). 5 submissions from 5 submitters: Uncertain significance (5). Last evaluated 2025-09-08.

Conditions:
Multiple system atrophy 1, susceptibility to. Also called: MSA1, SUSCEPTIBILITY TO. Identifiers: MedGen C3714927, MONDO:0020715, OMIM 146500.
Coenzyme Q10 deficiency, primary, 1. Also called: UBIQUINONE DEFICIENCY 1; COENZYME Q DEFICIENCY 1; CoQ DEFICIENCY 1. Identifiers: Orphanet 255249, MedGen C3551954, MONDO:0011829, OMIM 607426.

Allele frequency attached by ClinVar (database versions not stated): gnomAD 0.00002; TOPMed 0.00007.
gnomAD v4.1: 107 of 1,580,888 alleles (0.0068%); highest among the groups gnomAD compares: South Asian, 0.063%; no homozygotes.

Submissions (5):

Women's Health and Genetics/Laboratory Corporation of America, LabCorp
Classification: Uncertain significance. Last evaluated: 2025-09-08. Review status: criteria provided, single submitter. Criteria: LabCorp Variant Classification Summary - May 2015. Collection method: clinical testing. Allele origin: germline.
Comment: Variant summary: COQ2 c.1039A>T (p.Ser347Cys) results in a non-conservative amino acid change in the encoded protein sequence. Algorithms developed to predict the effect of missense changes on protein structure and function are either unavailable or do not agree on the potential impact of this missense change. The variant allele was found at a frequency of 0.0001 in 197540 control chromosomes (gnomAD). This frequency is not significantly higher than estimated for disease-causing variants in COQ2, allowing no conclusion about variant significance. c.1039A>T has been observed in at least one individual affected with Multiple-system atrophy (Multiple-System Atrophy_2013). The report does not provide unequivocal conclusions about association of the variant with Coenzyme Q10 Deficiency, Primary, 1. At least one publication reports experimental evidence evaluating an impact on protein function, however, does not allow convincing conclusions about the variant effect (Multiple-System Atrophy_2013). The following publications have been ascertained in the context of this evaluation (PMID: 24988567, 23758206). ClinVar contains an entry for this variant (Variation ID: 1031928). Based on the evidence outlined above, the variant was classified as uncertain significance.

Blueprint Genetics
Classification: Uncertain significance. Last evaluated: 2024-09-11. Review status: criteria provided, single submitter. Criteria: ACMG Guidelines, 2015. Collection method: clinical testing. Allele origin: germline.

Fulgent Genetics
Classification: Uncertain significance for Multiple system atrophy 1, susceptibility to; Coenzyme Q10 deficiency, primary, 1. Last evaluated: 2023-12-21. Review status: criteria provided, single submitter. Criteria: ACMG Guidelines, 2015. Collection method: clinical testing. Allele origin: germline.

Labcorp Genetics (formerly Invitae), Labcorp
Classification: Uncertain significance. Last evaluated: 2021-12-24. Review status: criteria provided, single submitter. Criteria: Invitae Variant Classification Sherloc (09022015). Collection method: clinical testing. Allele origin: germline.
Comment: This sequence change replaces serine, which is neutral and polar, with cysteine, which is neutral and slightly polar, at codon 347 of the COQ2 protein (p.Ser347Cys). This variant is present in population databases (rs566845170, gnomAD 0.06%). This missense change has been observed in individual(s) with clinical features of COQ2-related conditions (PMID: 23758206, 24988567). ClinVar contains an entry for this variant (Variation ID: 1031928). Algorithms developed to predict the effect of missense changes on protein structure and function output the following: SIFT: "Tolerated"; PolyPhen-2: "Benign"; Align-GVGD: "Class C0". The cysteine amino acid residue is found in multiple mammalian species, which suggests that this missense change does not adversely affect protein function. Experimental studies have shown that this missense change affects COQ2 function (PMID: 23758206). In summary, the available evidence is currently insufficient to determine the role of this variant in disease. Therefore, it has been classified as a Variant of Uncertain Significance.

Baylor Genetics
Classification: Uncertain significance for Coenzyme Q10 deficiency, primary, 1. Last evaluated: 2018-08-06. Review status: criteria provided, single submitter. Criteria: ACMG Guidelines, 2015. Collection method: clinical testing. Allele origin: maternal. Affected: yes.
Comment: This variant was determined to be of uncertain significance according to ACMG Guidelines, 2015 [PMID:25741868].

Literature cited by the submitters: PubMed 24988567 (cited by Women's Health and Genetics/Laboratory Corporation of America, LabCorp and Labcorp Genetics (formerly Invitae), Labcorp); PubMed 23758206 (cited by Labcorp Genetics (formerly Invitae), Labcorp).

NM_001358921.2(COQ2):c.889A>T (p.Ser297Cys)

Gene: COQ2 (coenzyme Q2, polyprenyltransferase; minus strand). Cytogenetic location: 4q21.23.
Variant type: single nucleotide variant.
Coding change: c.889A>T on transcript NM_001358921.2 (MANE Select); coding-DNA position 889, A replaced by T.
Protein change: p.Ser297Cys; replaces serine 297 with cysteine.
Molecular consequence: missense variant.
Genome position (GRCh38, 1-based): chr4:83,267,648, T>A on the plus strand (A>T on the coding strand, the complement: COQ2 is on the minus strand). VCF-style: chr4-83267648-T-A. GRCh37 (hg19) VCF-style: chr4-84188801-T-A.
Other names: c.1039A>T, p.Ser347Cys (NM_015697.9); short protein forms S297C, S347C.
Identifiers: ClinVar variation 1031928 (VCV001031928.7), dbSNP rs566845170, ClinGen allele CA2988485.